The following is an entry in ClinVar:

ClinVar aggregate classification (germline): Likely benign (1 of 4 stars; one submission).

Allele frequency attached by ClinVar (database versions not stated): ExAC 0.00002; gnomAD exomes 0.00002; ESP Exome Variant Server 0.00008; gnomAD 0.00008.

Submission:

CeGaT Center for Human Genetics Tuebingen
Classification: Likely benign. Last evaluated: 2023-07-01. Review status: criteria provided, single submitter. Criteria: CeGaT Center For Human Genetics Tuebingen Variant Classification Criteria Version 2. Collection method: clinical testing. Allele origin: germline. Affected: yes. Observed: 1 variant allele.
Comment: HRG: BP4, BP7

NM_000412.5(HRG):c.732C>T (p.Phe244=)

Gene: HRG (histidine rich glycoprotein; plus strand). Cytogenetic location: 3q27.3.
Variant type: single nucleotide variant.
Coding change: c.732C>T on transcript NM_000412.5 (MANE Select); coding-DNA position 732, C replaced by T.
Protein change: p.Phe244=; no amino-acid change (phenylalanine 244 retained).
Molecular consequence: synonymous variant.
Genome position (GRCh38, 1-based): chr3:186,675,181, C>T. VCF-style: chr3-186675181-C-T. GRCh37 (hg19) VCF-style: chr3-186392970-C-T.
Identifiers: ClinVar variation 2654337 (VCV002654337.24), dbSNP rs151028119, ClinGen allele CA2745775.